The following is an entry in ClinVar:

ClinVar aggregate classification (germline): Uncertain significance. Review status: criteria provided, multiple submitters, no conflicts (2 of 4 stars). 3 submissions from 3 submitters: Uncertain significance (3). Last evaluated 2024-08-12.

Conditions:
Hereditary cancer-predisposing syndrome. Also called: Hereditary Cancer Syndrome; Hereditary neoplastic syndrome; Tumor predisposition; Neoplastic Syndromes, Hereditary. Identifiers: Orphanet 140162, MedGen C0027672, MeSH D009386, MONDO:0015356.
Familial adenomatous polyposis 1 (FAP1). Also called: FAMILIAL ADENOMATOUS POLYPOSIS 1, ATTENUATED; POLYPOSIS, ADENOMATOUS INTESTINAL. Identifiers: MedGen C2713442, MONDO:0021056, OMIM 175100. Disease mechanism: loss of function.

Submissions (3):

Labcorp Genetics (formerly Invitae), Labcorp
Classification: Uncertain significance for Familial adenomatous polyposis 1. Last evaluated: 2024-08-12. Review status: criteria provided, single submitter. Criteria: Invitae Variant Classification Sherloc (09022015). Collection method: clinical testing. Allele origin: germline.
Comment: This variant, c.2440_2445del, results in the deletion of 2 amino acid(s) of the APC protein (p.Phe814_Asn815del), but otherwise preserves the integrity of the reading frame. This variant is not present in population databases (gnomAD no frequency). This variant has not been reported in the literature in individuals affected with APC-related conditions. ClinVar contains an entry for this variant (Variation ID: 1791323). Experimental studies and prediction algorithms are not available or were not evaluated, and the functional significance of this variant is currently unknown. In summary, the available evidence is currently insufficient to determine the role of this variant in disease. Therefore, it has been classified as a Variant of Uncertain Significance.

Quest Diagnostics Nichols Institute San Juan Capistrano
Classification: Uncertain significance. Last evaluated: 2023-12-26. Review status: criteria provided, single submitter. Criteria: Quest Diagnostics criteria. Collection method: clinical testing. Allele origin: unknown.
Comment: The APC c.2440_2445del (p.Phe814_Asn815del) variant has not been reported in individuals with APC-related conditions in the published literature. It also has not been reported in large, multi-ethnic general populations (Genome Aggregation Database). Based on the available information, we are unable to determine the clinical significance of this variant.

Ambry Genetics
Classification: Uncertain significance for Hereditary cancer-predisposing syndrome. Last evaluated: 2023-05-23. Review status: criteria provided, single submitter. Criteria: Ambry Variant Classification Scheme 2023. Collection method: clinical testing. Allele origin: germline.
Comment: The c.2440_2445delTTTAAT variant (also known as p.F814_N815del) is located in coding exon 15 of the APC gene. This variant results from an in-frame TTTAAT deletion at nucleotide positions 2440 to 2445. This results in the in-frame deletion of a phenylalanine and an asparagine at codons 814 to 815. This amino acid region is generally well conserved in available vertebrate species. In addition, the in silico prediction for this alteration is inconclusive (Choi Y et al. PLoS ONE. 2012; 7(10):e46688). Since supporting evidence is limited at this time, the clinical significance of this alteration remains unclear.

NM_000038.6(APC):c.2440_2445del (p.Phe814_Asn815del)

Gene: APC (APC regulator of Wnt signaling pathway; plus strand). Cytogenetic location: 5q22.2.
Variant type: Deletion.
Coding change: c.2440_2445del on transcript NM_000038.6 (MANE Select); coding-DNA positions 2440 to 2445, 6 bases deleted (TTTAAT; older notation c.2440_2445delTTTAAT).
Protein change: p.Phe814_Asn815del.
Molecular consequence: inframe deletion. On other transcripts: inframe indel (20).
Genome position (GRCh38, 1-based): chr5:112,838,034-112,838,039, TTTAAT deleted; deleting any 6 consecutive bases within chr5:112,838,031-112,838,039 gives the same sequence; the c. name uses the placement nearest the transcript's 3' end. VCF-style (leftmost placement, unchanged base first): chr5-112838030-CAATTTT-C. GRCh37 (hg19) VCF-style: chr5-112173727-CAATTTT-C.
Other names: c.2440_2445del, p.Phe814_Asn815del (NM_001127510.3, NM_001354895.2); c.2386_2391del, p.Phe796_Asn797del (NM_001127511.3); c.2494_2499del, p.Phe832_Asn833del (NM_001354896.2); c.2470_2475del, p.Phe824_Asn825del (NM_001354897.2); c.2365_2370del, p.Phe789_Asn790del (NM_001354898.2); c.2356_2361del, p.Phe786_Asn787del (NM_001354899.2); c.2317_2322del, p.Phe773_Asn774del (NM_001354900.2); c.2263_2268del, p.Phe755_Asn756del (NM_001354901.2); and 18 more.
Identifiers: ClinVar variation 1791323 (VCV001791323.6), dbSNP rs1765182365, ClinGen allele CA1573481372.